The following is an entry in ClinVar:

NM_001242896.3(DEPDC5):c.3451C>T (p.Gln1151Ter)

Gene: DEPDC5 (DEP domain containing 5, GATOR1 subcomplex subunit; plus strand). Cytogenetic location: 22q12.3.
Variant type: single nucleotide variant.
Coding change: c.3451C>T on transcript NM_001242896.3 (MANE Select); coding-DNA position 3451, C replaced by T.
Protein change: p.Gln1151Ter; replaces glutamine 1151 with a stop codon.
Molecular consequence: nonsense. On other transcripts: non-coding transcript variant (5).
Genome position (GRCh38, 1-based): chr22:31,870,710, C>T. VCF-style: chr22-31870710-C-T. GRCh37 (hg19) VCF-style: chr22-32266696-C-T.
Other names: c.3424C>T, p.Gln1142Ter (NM_001136029.4); c.3151C>T, p.Gln1051Ter (NM_001242897.2); c.3385C>T, p.Gln1129Ter (NM_001363852.2, NM_001364320.2); c.3217C>T, p.Gln1073Ter (NM_001363854.2, NM_001364319.2); c.3451C>T, p.Gln1151Ter (NM_001364318.2); c.3367C>T, p.Gln1123Ter (NM_001369901.1, NM_001369902.1); c.3358C>T, p.Gln1120Ter (NM_001369903.1, NM_014662.6); short protein forms Q1073*, Q1142*, Q1051*, Q1129*, Q1120*, Q1123*, Q1151*.
Identifiers: ClinVar variation 2047780 (VCV002047780.4), dbSNP rs2522189114, ClinGen allele CA411296843.

ClinVar aggregate classification (germline): Pathogenic (1 of 4 stars; one submission).

Conditions:
Familial focal epilepsy with variable foci (FPEVF). Identifiers: Orphanet 98820, MedGen C1858477, MONDO:0020310.

Submission:

Labcorp Genetics (formerly Invitae), Labcorp
Classification: Pathogenic for Familial focal epilepsy with variable foci. Last evaluated: 2022-01-11. Review status: criteria provided, single submitter. Criteria: Invitae Variant Classification Sherloc (09022015). Collection method: clinical testing. Allele origin: germline.
Comment: This sequence change creates a premature translational stop signal (p.Gln1151*) in the DEPDC5 gene. It is expected to result in an absent or disrupted protein product. Loss-of-function variants in DEPDC5 are known to be pathogenic (PMID: 23542697, 23542701). For these reasons, this variant has been classified as Pathogenic. This variant has not been reported in the literature in individuals affected with DEPDC5-related conditions. This variant is not present in population databases (gnomAD no frequency).

Literature cited by the submitters: PubMed 23542697; PubMed 23542701.